The following is an entry in ClinVar:

ClinVar aggregate classification (germline): Benign. Review status: criteria provided, multiple submitters, no conflicts (2 of 4 stars). 2 submissions from 2 submitters: Benign (2). Last evaluated 2018-01-12.

Conditions:
Retinal cone dystrophy 4 (RCD4). Identifiers: Orphanet 1872, MedGen C1864849, MONDO:0012507, OMIM 610478.

Allele frequency attached by ClinVar (database versions not stated): TOPMed 0.02385; gnomAD 0.02608 and 0.02677; 1000 Genomes Project 30x 0.04044; 1000 Genomes Project 0.04213.

Submissions (2):

Illumina Laboratory Services, Illumina
Classification: Benign for Retinal cone dystrophy 4. Last evaluated: 2018-01-12. Review status: criteria provided, single submitter. Criteria: ICSL Variant Classification Criteria 13 December 2019. Collection method: clinical testing. Allele origin: germline.
Comment: This variant was observed in the ICSL laboratory as part of a predisposition screen in an ostensibly healthy population. It had not been previously curated by ICSL or reported in the Human Gene Mutation Database (HGMD: prior to June 1st, 2018), and was therefore a candidate for classification through an automated scoring system. Utilizing variant allele frequency, disease prevalence and penetrance estimates, and inheritance mode, an automated score was calculated to assess if this variant is too frequent to cause the disease. Based on the score and internal cut-off values, a variant classified as benign is not then subjected to further curation. The score for this variant resulted in a classification of benign for this disease.

Breakthrough Genomics
Classification: Benign. Review status: criteria provided, single submitter. Criteria: ACMG Guidelines, 2015. Collection method: not provided. Allele origin: germline. Inheritance: Autosomal recessive inheritance. Affected: yes.

NM_172364.5(CACNA2D4):c.*1360G>A

Gene: CACNA2D4 (calcium voltage-gated channel auxiliary subunit alpha2delta 4; minus strand). Cytogenetic location: 12p13.33.
Variant type: single nucleotide variant.
Coding change: c.*1360G>A on transcript NM_172364.5 (MANE Select); 1360 bases downstream of the stop codon, G replaced by A.
Molecular consequence: 3 prime UTR variant.
Genome position (GRCh38, 1-based): chr12:1,792,295, C>T on the plus strand (G>A on the coding strand, the complement: CACNA2D4 is on the minus strand). VCF-style: chr12-1792295-C-T. GRCh37 (hg19) VCF-style: chr12-1901461-C-T.
Identifiers: ClinVar variation 307805 (VCV000307805.6), dbSNP rs2041139, ClinGen allele CA10641468.
Genomic context (GRCh38, chr12:1,792,295, plus strand): 5'-AGTGTCTTCTGCTGTAAGGGGGCATTAATACTGCCCTCACAGGGTTGTTGCAAGACATGA[C>T]GGTAAGAGTGACATTCTGTAACCGATAATGTAAGTGTGTTTTACAGAGTTGGCATTTGGC-3'